The following is an entry in ClinVar:

NM_016203.4(PRKAG2):c.793A>G (p.Met265Val)

Gene: PRKAG2 (protein kinase AMP-activated non-catalytic subunit gamma 2; minus strand). Cytogenetic location: 7q36.1.
Variant type: single nucleotide variant.
Coding change: c.793A>G on transcript NM_016203.4 (MANE Select); coding-DNA position 793, A replaced by G.
Protein change: p.Met265Val; replaces methionine 265 with valine.
Molecular consequence: missense variant.
Genome position (GRCh38, 1-based): chr7:151,595,416, T>C on the plus strand (A>G on the coding strand, the complement: PRKAG2 is on the minus strand). VCF-style: chr7-151595416-T-C. GRCh37 (hg19) VCF-style: chr7-151292502-T-C.
Other names: c.661A>G, p.Met221Val (NM_001040633.2, NM_001407024.1); c.118A>G, p.Met40Val (NM_001407038.1); c.67A>G, p.Met23Val (NM_001407039.1, NM_001407040.1, NM_001407036.1); c.70A>G, p.Met24Val (NM_024429.2, NM_001304531.2, NM_001407034.1 and 1 more transcripts); c.418A>G, p.Met140Val (NM_001304527.2, NM_001407029.1); c.421A>G, p.Met141Val (NM_001363698.2, NM_001407028.1); c.793A>G, p.Met265Val (NM_001407021.1); c.790A>G, p.Met264Val (NM_001407022.1, NM_001407023.1); and 6 more; short protein forms M140V, M141V, M221V, M44V, M168V, M169V, M24V, M265V.
Identifiers: ClinVar variation 4825140 (VCV004825140.1).
Genomic context (GRCh38, chr7:151,595,416, plus strand): 5'-TATCAAAGACAACAAGCTTTGAACTGGTTGGAACGATGTCATAACACTTGTGTGACCTCA[T>C]GAATCGCATGTAAACACCACTTTCTGAGTCTTCTACTGCTAAAAGAAAAAAAGGCAAAAC-3'
Protein context (NP_057287.2, residues 255-275): DSESGVYMRF[Met265Val]RSHKCYDIVP

ClinVar aggregate classification (germline): Uncertain significance (1 of 4 stars; one submission).

Conditions:
Cardiovascular phenotype. Identifiers: MedGen CN230736.

Submission:

Ambry Genetics
Classification: Uncertain significance for Cardiovascular phenotype. Last evaluated: 2026-01-17. Review status: criteria provided, single submitter. Criteria: Ambry Variant Classification Scheme 2023. Collection method: clinical testing. Allele origin: germline.
Comment: The p.M265V variant (also known as c.793A>G), located in coding exon 6 of the PRKAG2 gene, results from an A to G substitution at nucleotide position 793. The methionine at codon 265 is replaced by valine, an amino acid with highly similar properties. This amino acid position is conserved. In addition, this alteration is predicted to be deleterious by in silico analysis. Based on the available evidence, the clinical significance of this variant remains unclear.